The following is an entry in ClinVar:

NM_001368067.1(LDB3):c.547G>A (p.Gly183Arg)

Genes: LDB3 (LIM domain binding 3; plus strand), LOC110121486 (VISTA enhancer hs2143; plus strand). Cytogenetic location: 10q23.2.
Variant type: single nucleotide variant.
Coding change: c.547G>A on transcript NM_001368067.1 (MANE Plus Clinical); coding-DNA position 547, G replaced by A.
Protein change: p.Gly183Arg; replaces glycine 183 with arginine.
Molecular consequence: missense variant. On other transcripts: intron variant (5).
Genome position (GRCh38, 1-based): chr10:86,687,271, G>A. VCF-style: chr10-86687271-G-A. GRCh37 (hg19) VCF-style: chr10-88447028-G-A.
Other names: c.547G>A, p.Gly183Arg (NM_001080114.2, NM_001080116.1, NM_001368066.1 and 1 more transcripts); c.892G>A, p.Gly298Arg (NM_001171610.2, NM_001171611.2); c.690-4625G>A (NM_001368064.1, NM_001368063.1, NM_007078.3 and 2 more transcripts); short protein forms G298R, G183R.
Identifiers: ClinVar variation 4753034 (VCV004753034.1).

ClinVar aggregate classification (germline): Uncertain significance (1 of 4 stars; one submission).

Conditions:
Myofibrillar myopathy 4. Also called: Zaspopathy (type). Identifiers: Orphanet 98912, MedGen C4721886, MONDO:0012277, OMIM 609452.

gnomAD v4.1: 2 of 1,613,950 alleles (0.00012%); highest among the groups gnomAD compares: Non-Finnish European, 0.000085%; no homozygotes.

Submission:

Labcorp Genetics (formerly Invitae), Labcorp
Classification: Uncertain significance for Myofibrillar myopathy 4. Last evaluated: 2025-08-03. Review status: criteria provided, single submitter. Criteria: Invitae Variant Classification Sherloc (09022015). Collection method: clinical testing. Allele origin: germline.
Comment: This sequence change replaces glycine, which is neutral and non-polar, with arginine, which is basic and polar, at codon 183 of the LDB3 protein (p.Gly183Arg). This variant is present in population databases (rs767567837, gnomAD 0.004%). This variant has not been reported in the literature in individuals affected with LDB3-related conditions. An algorithm developed to predict the effect of missense changes on protein structure and function (PolyPhen-2) suggests that this variant is likely to be tolerated. In summary, the available evidence is currently insufficient to determine the role of this variant in disease. Therefore, it has been classified as a Variant of Uncertain Significance.